The following is an entry in ClinVar:

ClinVar aggregate classification (germline): Pathogenic/Likely pathogenic. Review status: criteria provided, multiple submitters, no conflicts (2 of 4 stars). 3 submissions from 3 submitters: Pathogenic (1); Likely pathogenic (1). 1 of the submissions does not count toward it. Last evaluated 2025-07-30.

Conditions:
Ehlers-Danlos syndrome, dermatosparaxis type. Also called: EDS VIIC; Dermatosparaxis; Ehlers-Danlos syndrome, type VII, autosomal recessive. Identifiers: Orphanet 1901, MedGen C2700425, MONDO:0009161, OMIM 225410.

Submissions (3):

Mayo Clinic Laboratories, Mayo Clinic
Classification: Likely pathogenic. Last evaluated: 2025-07-30. Review status: criteria provided, single submitter. Criteria: ACMG Guidelines, 2015. Collection method: clinical testing. Allele origin: germline. Observed: 1 variant allele.
Comment: PM2_supporting, PVS1

Labcorp Genetics (formerly Invitae), Labcorp
Classification: Pathogenic for Ehlers-Danlos syndrome, dermatosparaxis type. Last evaluated: 2022-07-08. Review status: criteria provided, single submitter. Criteria: Invitae Variant Classification Sherloc (09022015). Collection method: clinical testing. Allele origin: germline.
Comment: This sequence change creates a premature translational stop signal (p.Pro34Thrfs*121) in the ADAMTS2 gene. It is expected to result in an absent or disrupted protein product. Loss-of-function variants in ADAMTS2 are known to be pathogenic (PMID: 10417273). This variant is not present in population databases (gnomAD no frequency). This variant has not been reported in the literature in individuals affected with ADAMTS2-related conditions. For these reasons, this variant has been classified as Pathogenic.

Department of Genetics, Suzhou Beikang Medical Laboratory
Classification: Likely pathogenic for Ehlers-Danlos syndrome, dermatosparaxis type. Last evaluated: 2024-10-31. Review status: no assertion criteria provided. Collection method: clinical testing. Allele origin: germline. Affected: no. Not counted in ClinVar's aggregate classification.
Comment: This variant has not been reported in the literature in individuals affected with ADAMTS2-related conditions. This variant is not present in population databases (gnomAD no frequency). ClinVar contains an entry for this variant (Variation ID: 99481). This sequence change creates a premature translational stop signal (p.Pro34Thrfs*121) in the ADAMTS2 gene. It is expected to result in an absent or disrupted protein product. Loss-of-function variants in ADAMTS2 are known to be pathogenic (PMID: 10417273, 26765342, 25863161). For these reasons, this variant has been classified as Likely pathogenic.

Literature cited by the submitters: PubMed 26765342 (cited by Mayo Clinic Laboratories, Mayo Clinic); PubMed 10417273 (cited by Labcorp Genetics (formerly Invitae), Labcorp).

NM_014244.5(ADAMTS2):c.100_130del (p.Pro34fs)

Gene: ADAMTS2 (ADAM metallopeptidase with thrombospondin type 1 motif 2; minus strand). Cytogenetic location: 5q35.3.
Variant type: Deletion.
Coding change: c.100_130del on transcript NM_014244.5 (MANE Select); coding-DNA positions 100 to 130, 31 bases deleted.
Protein change: p.Pro34fs; shifts the reading frame from proline 34.
Molecular consequence: frameshift variant.
Genome position (GRCh38, 1-based): chr5:179,345,199-179,345,229, 31 bases deleted; deleting any 31 consecutive bases within chr5:179,345,199-179,345,243 gives the same sequence; the c. name uses the placement nearest the transcript's 3' end. GRCh37 (hg19): chr5:178,772,214-178,772,244.
Other names: p.Pro34Thrfs*121; c.100_130del, p.Pro34fs (NM_021599.4); short protein forms P34fs.
Identifiers: ClinVar variation 1936753 (VCV001936753.7), dbSNP rs1242279733, ClinGen allele CA808279058.
Genomic context (GRCh38, chr5:179,345,198, plus strand): 5'-ACAGGGCCAGGCCGGCGGGGGTCCCGGGGAGTAGGGGCCGGGCCGCACCTACCTGGGGGG[TCGGCGGCGGCGGCGAGCCTGGCGTTCGCGGG>T]CGGCGGCGGCGGCGGCAGGAGCGGCGGCGGCAGCAGCAGCAGCAGCAGCAGCAGCGCGGG-3'